The following is an entry in ClinVar:

NM_178335.3(CCDC50):c.1303A>C (p.Lys435Gln)

Gene: CCDC50 (coiled-coil domain containing 50; plus strand). Cytogenetic location: 3q28.
Variant type: single nucleotide variant.
Coding change: c.1303A>C on transcript NM_178335.3 (MANE Select); coding-DNA position 1303, A replaced by C.
Protein change: p.Lys435Gln; replaces lysine 435 with glutamine.
Molecular consequence: missense variant.
Genome position (GRCh38, 1-based): chr3:191,382,806, A>C. VCF-style: chr3-191382806-A-C. GRCh37 (hg19) VCF-style: chr3-191100595-A-C.
Other names: c.775A>C, p.Lys259Gln (NM_174908.4); short protein forms K435Q, K259Q.
Identifiers: ClinVar variation 506222 (VCV000506222.4), dbSNP rs1553844770, ClinGen allele CA355767646.

ClinVar aggregate classification (germline): Uncertain significance (1 of 4 stars; one submission).

Allele frequency attached by ClinVar (database versions not stated): TOPMed 0.00001.
gnomAD v4.1: 1 of 1,612,624 alleles (0.000062%); highest among the groups gnomAD compares: Non-Finnish European, 0.000085%; no homozygotes.

Submission:

Laboratory for Molecular Medicine, Mass General Brigham Personalized Medicine
Classification: Uncertain significance. Last evaluated: 2018-05-18. Review status: criteria provided, single submitter. Criteria: LMM Criteria. Collection method: clinical testing. Allele origin: germline. Observed: 2 variant alleles.
Comment: Variant classified as Uncertain Significance - Favor Benign. This variant was ab sent from large population studies. Computational prediction tools and conservat ion analysis do not provide strong support for or against an impact to the prote in. In summary, while the clinical significance of the p.Lys435Gln variant is un certain, the non-segregation suggests it is more likely to be benign. ACMG/AMP C riteria applied: BS4_Supporting, PM2.